The following is an entry in ClinVar:

ClinVar aggregate classification (germline): Likely benign (1 of 4 stars; one submission).

Allele frequency attached by ClinVar (database versions not stated): gnomAD 0.01158 and 0.01224; TOPMed 0.01257; 1000 Genomes Project 0.01498; 1000 Genomes Project 30x 0.01608.
gnomAD v4.1: 1,735 of 152,300 alleles (1.1%); highest among the groups gnomAD compares: African/African-American, 4%; 34 homozygotes.

Submission:

GeneDx
Classification: Likely benign. Last evaluated: 2018-06-16. Review status: criteria provided, single submitter. Criteria: GeneDx Variant Classification (06012015). Collection method: clinical testing. Allele origin: germline. Affected: yes.
Comment: This variant is considered likely benign or benign based on one or more of the following criteria: it is a conservative change, it occurs at a poorly conserved position in the protein, it is predicted to be benign by multiple in silico algorithms, and/or has population frequency not consistent with disease.

NM_000093.5(COL5A1):c.1882-272C>T

Gene: COL5A1 (collagen type V alpha 1 chain; plus strand). Cytogenetic location: 9q34.3.
Variant type: single nucleotide variant.
Coding change: c.1882-272C>T on transcript NM_000093.5 (MANE Select); 272 bases into the intron before coding-DNA position 1882, C replaced by T.
Molecular consequence: intron variant.
Genome position (GRCh38, 1-based): chr9:134,757,971, C>T. VCF-style: chr9-134757971-C-T. GRCh37 (hg19) VCF-style: chr9-137649817-C-T.
Other names: c.1882-272C>T (NM_001278074.1).
Identifiers: ClinVar variation 673547 (VCV000673547.1), dbSNP rs116091044, ClinGen allele CA201092287.